The following is an entry in ClinVar:

NM_000179.3(MSH6):c.2303C>G (p.Pro768Arg)

Gene: MSH6 (mutS homolog 6; plus strand). Cytogenetic location: 2p16.3.
Variant type: single nucleotide variant.
Coding change: c.2303C>G on transcript NM_000179.3 (MANE Select); coding-DNA position 2303, C replaced by G.
Protein change: p.Pro768Arg; replaces proline 768 with arginine.
Molecular consequence: missense variant.
Genome position (GRCh38, 1-based): chr2:47,800,286, C>G. VCF-style: chr2-47800286-C-G. GRCh37 (hg19) VCF-style: chr2-48027425-C-G.
Other names: c.1913C>G, p.Pro638Arg (NM_001281492.2); c.1397C>G, p.Pro466Arg (NM_001281493.2, NM_001281494.2); short protein forms P768R, P466R, P638R.
Identifiers: ClinVar variation 525805 (VCV000525805.11), dbSNP rs773162893, ClinGen allele CA46710789.

ClinVar aggregate classification (germline): Uncertain significance (1 of 4 stars; one submission).

Conditions:
Hereditary nonpolyposis colorectal neoplasms. Identifiers: MedGen C0009405, MeSH D003123.

gnomAD v4.1: 1 of 1,614,046 alleles (0.000062%); highest among the groups gnomAD compares: Non-Finnish European, 0.000085%; no homozygotes.

Submission:

Labcorp Genetics (formerly Invitae), Labcorp
Classification: Uncertain significance for Hereditary nonpolyposis colorectal neoplasms. Last evaluated: 2024-05-18. Review status: criteria provided, single submitter. Criteria: Invitae Variant Classification Sherloc (09022015). Collection method: clinical testing. Allele origin: germline.
Comment: This sequence change replaces proline, which is neutral and non-polar, with arginine, which is basic and polar, at codon 768 of the MSH6 protein (p.Pro768Arg). This variant is not present in population databases (gnomAD no frequency). This missense change has been observed in individual(s) with clinical features of MSH6-related conditions (PMID: 10612827). ClinVar contains an entry for this variant (Variation ID: 525805). Advanced modeling of protein sequence and biophysical properties (such as structural, functional, and spatial information, amino acid conservation, physicochemical variation, residue mobility, and thermodynamic stability) has been performed at Invitae for this missense variant, however the output from this modeling did not meet the statistical confidence thresholds required to predict the impact of this variant on MSH6 protein function. In summary, the available evidence is currently insufficient to determine the role of this variant in disease. Therefore, it has been classified as a Variant of Uncertain Significance.

Literature cited by the submitters: PubMed 10612827.